The following is an entry in ClinVar:

NC_000002.11:g.(?_219524378)_(219528167_?)del

Gene: BCS1L (BCS1 ubiquinol-cytochrome c reductase complex chaperone; plus strand). Cytogenetic location: 2q35.
Variant type: Deletion.
Identifiers: ClinVar variation 1698536 (VCV001698536.1).

ClinVar aggregate classification (germline): Pathogenic (1 of 4 stars; one submission).

Conditions:
GRACILE syndrome (FLNMS). Also called: FELLMAN SYNDROME; FINNISH LETHAL NEONATAL METABOLIC SYNDROME. Identifiers: Orphanet 53693, MedGen C1864002, MONDO:0011308, OMIM 603358.

Submission:

Women's Health and Genetics/Laboratory Corporation of America, LabCorp
Classification: Pathogenic for GRACILE syndrome. Last evaluated: 2022-06-01. Review status: criteria provided, single submitter. Criteria: LabCorp Variant Classification Summary - May 2015. Collection method: clinical testing. Allele origin: germline.
Comment: Variant summary: The variant identified by MLPA or other technology involves the deletion of the whole BCS1L gene (exons 1-9). A presumed nomenclature of c.(?_-347)_(*58_?)del has been designated for the purposes of this classification. The variant was absent in 21694 control chromosomes. To our knowledge, no occurrence of c.(?_-347)_(*58_?)del in individuals affected with GRACILE Syndrome and no experimental evidence demonstrating its impact on protein function have been reported. No clinical diagnostic laboratories have submitted clinical-significance assessments for this variant to ClinVar after 2014. However, an overlapping deletion described as a deletion of the full coding sequence of the BCS1L gene has been classified as pathogenic in ClinVar (ID 1459274). Based on the evidence outlined above, the variant was classified as pathogenic.